The following is an entry in ClinVar:

NM_000302.4(PLOD1):c.1996A>G (p.Ile666Val)

Gene: PLOD1 (procollagen-lysine,2-oxoglutarate 5-dioxygenase 1; plus strand). Cytogenetic location: 1p36.22.
Variant type: single nucleotide variant.
Coding change: c.1996A>G on transcript NM_000302.4 (MANE Select); coding-DNA position 1996, A replaced by G.
Protein change: p.Ile666Val; replaces isoleucine 666 with valine.
Molecular consequence: missense variant.
Genome position (GRCh38, 1-based): chr1:11,972,965, A>G. VCF-style: chr1-11972965-A-G. GRCh37 (hg19) VCF-style: chr1-12033022-A-G.
Other names: c.2137A>G, p.Ile713Val (NM_001316320.2); short protein forms I666V, I713V.
Identifiers: ClinVar variation 1993546 (VCV001993546.3), dbSNP rs2522881736, ClinGen allele CA338452447.

ClinVar aggregate classification (germline): Uncertain significance (1 of 4 stars; one submission).

Conditions:
Ehlers-Danlos syndrome, kyphoscoliotic type 1 (EDSKSCL1). Also called: EHLERS-DANLOS SYNDROME, TYPE VIA; Ehlers-Danlos syndrome, hydroxylysine-deficient; EHLERS-DANLOS SYNDROME, OCULAR-SCOLIOTIC TYPE; PLOD1-Related Kyphoscoliotic Ehlers-Danlos Syndrome. Identifiers: Orphanet 1900, MedGen C0268342, MONDO:0016002, OMIM 225400. Disease mechanism: loss of function.

Submission:

Labcorp Genetics (formerly Invitae), Labcorp
Classification: Uncertain significance for Ehlers-Danlos syndrome, kyphoscoliotic type 1. Last evaluated: 2022-05-12. Review status: criteria provided, single submitter. Criteria: Invitae Variant Classification Sherloc (09022015). Collection method: clinical testing. Allele origin: germline.
Comment: Algorithms developed to predict the effect of missense changes on protein structure and function are either unavailable or do not agree on the potential impact of this missense change (SIFT: "Deleterious"; PolyPhen-2: "Benign"; Align-GVGD: "Class C0"). In summary, the available evidence is currently insufficient to determine the role of this variant in disease. Therefore, it has been classified as a Variant of Uncertain Significance. This variant has not been reported in the literature in individuals affected with PLOD1-related conditions. This variant is not present in population databases (gnomAD no frequency). This sequence change replaces isoleucine, which is neutral and non-polar, with valine, which is neutral and non-polar, at codon 666 of the PLOD1 protein (p.Ile666Val).